The following is an entry in ClinVar:

ClinVar aggregate classification (germline): Pathogenic. Review status: criteria provided, multiple submitters, no conflicts (2 of 4 stars). 16 submissions from 16 submitters: Pathogenic (12). 4 of the submissions do not count toward it. Last evaluated 2026-07-13.

Conditions:
ADA2-related disorder. Also called: ADA2-related condition.
Sneddon syndrome (SNDNS). Also called: LIVEDO RETICULARIS AND CEREBROVASCULAR ACCIDENTS; Idiopathic livedo reticularis with systemic involvement. Identifiers: Orphanet 820, MedGen C0282492, MONDO:0008436, OMIM 182410.
Deficiency of adenosine deaminase 2. Also called: Polyarteritis nodosa, childhoood-onset; Adenosine Deaminase 2 Deficiency; VASCULITIS, AUTOINFLAMMATION, IMMUNODEFICIENCY, AND HEMATOLOGIC DEFECTS SYNDROME. Identifiers: Orphanet 404553, MedGen C3887654, MONDO:0014306, OMIM 615688, MONDO:0100317.

Allele frequency attached by ClinVar (database versions not stated): ExAC 0.00012; gnomAD exomes 0.00012 and 0.00017; TOPMed 0.00012; ESP Exome Variant Server 0.00015; 1000 Genomes Project 30x 0.00016; gnomAD 0.00016 and 0.00018; 1000 Genomes Project 0.00020.
gnomAD v4.1: 263 of 1,604,152 alleles (0.016%); highest among the groups gnomAD compares: Non-Finnish European, 0.019%; no homozygotes.

Submissions (17):

PreventionGenetics, part of Exact Sciences
Classification: Pathogenic for ADA2-related condition. Last evaluated: 2026-07-13. Review status: criteria provided, single submitter. Criteria: ACMG Guidelines, 2015. Collection method: clinical testing. Allele origin: germline.
Comment: The ADA2 c.973-2A>G variant is predicted to disrupt the AG splice acceptor site and interfere with normal splicing. This variant was reported in the compound heterozygous or homozygous state in multiple individuals with antibody deficiency with vascular manifestations (Schepp et al. 2017. PubMed ID: 28493328; Trotta et al. 2018. PubMed ID: 29391253; Springer et al. 2018. PubMed ID: 29963054; Chong-Neto et al. 2019. PubMed ID: 31617030; van Well et al. 2019. PubMed ID: 31856934; Ganhão et al. 2020. PubMed ID: 32535845). This variant is reported in 0.021% of alleles in individuals of European (Non-Finnish) descent in gnomAD. Variants that disrupt the consensus splice acceptor site in ADA2 are expected to be pathogenic. This variant is interpreted as pathogenic.

Labcorp Genetics (formerly Invitae), Labcorp
Classification: Pathogenic for Deficiency of adenosine deaminase 2. Last evaluated: 2026-01-02. Review status: criteria provided, single submitter. Criteria: Invitae Variant Classification Sherloc (09022015). Collection method: clinical testing. Allele origin: germline.
Comment: This sequence change affects an acceptor splice site in intron 6 of the ADA2 gene. It is expected to disrupt RNA splicing. Variants that disrupt the donor or acceptor splice site typically lead to a loss of protein function (PMID: 16199547), and loss-of-function variants in ADA2 are known to be pathogenic (PMID: 24552284, 24552285). This variant is present in population databases (rs139750129, gnomAD 0.02%). Disruption of this splice site has been observed in individual(s) with antibody deficiencies and vasculopathy (PMID: 28493328, 29963054). It has also been observed to segregate with disease in related individuals. ClinVar contains an entry for this variant (Variation ID: 541735). Algorithms developed to predict the effect of sequence changes on RNA splicing suggest that this variant may disrupt the consensus splice site. For these reasons, this variant has been classified as Pathogenic.

GeneDx
Classification: Pathogenic. Last evaluated: 2025-07-21. Review status: criteria provided, single submitter. Criteria: GeneDx Variant Classification Process June 2021. Collection method: clinical testing. Allele origin: germline. Affected: yes.
Comment: Published functional studies demonstrate a damaging effect. This splice site variant destroys the canonical splice acceptor site in intron 6. It is predicted to cause abnormal gene splicing, either leading to an abnormal message that is subject to nonsense-mediated mRNA decay, or to an abnormal protein product if the message is used for protein translation (PMID: 29963054); Canonical splice site variant predicted to result in a null allele in a gene for which loss of function is a known mechanism of disease; This variant is associated with the following publications: (PMID: 31393689, 31856934, 29391253, 28983775, 30386947, 29681619, 28493328, 31617030, 32535845, 34039731, 29963054, 39039281, 39408606, 34657246, 35241284)

Dasa
Classification: Pathogenic. Last evaluated: 2025-01-20. Review status: criteria provided, single submitter. Criteria: DASA Assertion Criteria. Collection method: clinical testing. Allele origin: germline.
Comment: NM_001282225.2(ADA2):c.973-2A>G affects a canonical splice site and is predicted to disrupt normal RNA splicing, leading to loss of normal protein function. Loss-of-function is an established mechanism of disease for this gene. Segregation evidence has been reported in affected families. This variant has been recurrently observed in affected individuals with related phenotype in a genotype context consistent with recessive disease (PMID: 28493328; PMID: 29391253; PMID: 31617030; PMID: 31856934). The variant is present at low frequency in population datasets. Based on the available data, this variant is classified as pathogenic.

Blueprint Genetics
Classification: Pathogenic for ADA2-related disorders. Last evaluated: 2024-11-08. Review status: criteria provided, single submitter. Criteria: ACMG Guidelines, 2015. Collection method: clinical testing. Allele origin: germline. Affected: yes. Observed: 5 variant alleles.

Fulgent Genetics
Classification: Pathogenic for Sneddon syndrome; Deficiency of adenosine deaminase 2. Last evaluated: 2024-05-16. Review status: criteria provided, single submitter. Criteria: ACMG Guidelines, 2015. Collection method: clinical testing. Allele origin: germline.

Women's Health and Genetics/Laboratory Corporation of America, LabCorp
Classification: Pathogenic for Deficiency of adenosine deaminase 2. Last evaluated: 2023-10-23. Review status: criteria provided, single submitter. Criteria: LabCorp Variant Classification Summary - May 2015. Collection method: clinical testing. Allele origin: germline.
Comment: Variant summary: CECR1 c.973-2A>G is located in a canonical splice-site and is predicted to affect mRNA splicing resulting in a significantly altered protein due to either exon skipping, shortening, or inclusion of intronic material. Several computational tools predict a significant impact on normal splicing: Four predict the variant abolishes a canonical 3' acceptor site. The variant allele was found at a frequency of 0.00012 in 250678 control chromosomes (gnomAD). c.973-2A>G has been reported in the literature in multiple homozygous and compound heterozygous individuals affected with Deficiency of adenosine deaminase-2 (example: Andriessen_2023). These data indicate that the variant is very likely to be associated with disease. The following publication has been ascertained in the context of this evaluation (PMID: 37277582). Eight submitters have cited clinical-significance assessments for this variant to ClinVar after 2014. All submitters classified the variant as pathogenic. Based on the evidence outlined above, the variant was classified as pathogenic.

CeGaT Center for Human Genetics Tuebingen
Classification: Pathogenic. Last evaluated: 2023-01-01. Review status: criteria provided, single submitter. Criteria: CeGaT Center For Human Genetics Tuebingen Variant Classification Criteria Version 2. Collection method: clinical testing. Allele origin: germline. Affected: yes. Observed: 6 variant alleles.

Laboratorio de Genetica e Diagnostico Molecular, Hospital Israelita Albert Einstein
Classification: Pathogenic for Sneddon syndrome. Last evaluated: 2022-12-01. Review status: criteria provided, single submitter. Criteria: ACMG Guidelines, 2015. Collection method: clinical testing. Allele origin: germline. Affected: yes.
Comment: ACMG classification criteria: PVS1 very strong, PM2 supporting, PM3 very strong, PP1 supporting

Johns Hopkins Genomics, Johns Hopkins University
Classification: Pathogenic for Deficiency of adenosine deaminase 2. Last evaluated: 2022-04-29. Review status: criteria provided, single submitter. Criteria: ACMG Guidelines, 2015. Collection method: clinical testing. Allele origin: germline.
Comment: ADA2 c.973-2A>G has been identified in the homozygous and compound heterozygous state in multiple individuals with ADA2 deficiency and has been reported in ClinVar (Variation ID: 541735). This ADA2 variant (rs139750129) is rare (<0.1%) in a large population dataset (gnomAD: 37/282072 total alleles; 0.01312%; no homozygotes). Bioinformatic analysis predicts that this splice site variant will destroy the intron 5 canonical acceptor site and cause abnormal gene splicing. Two studies confirm that this variant is associated with ADA2 missplicing. We consider ADA2 c.973-2A>G to be pathogenic.

Mayo Clinic Laboratories, Mayo Clinic
Classification: Pathogenic. Last evaluated: 2020-03-17. Review status: criteria provided, single submitter. Criteria: ACMG Guidelines, 2015. Collection method: clinical testing. Allele origin: germline. Observed: 1 variant allele.
Comment: PVS1, PP1_strong, PS4_moderate, PP4

Mendelics
Classification: Pathogenic for Deficiency of adenosine deaminase 2. Last evaluated: 2019-05-28. Review status: criteria provided, single submitter. Criteria: Mendelics Assertion Criteria 2017. Collection method: clinical testing. Allele origin: unknown.

Dr. Peter K. Rogan Lab, Western University
No classification provided (evidence only). Condition: Ovarian serous cystadenocarcinoma. Review status: no classification provided. Collection method: in vitro. Allele origin: not applicable. Functional consequence: retained intron. Not counted in ClinVar's aggregate classification.

GeneReviews
No classification provided. Condition: Deficiency of adenosine deaminase 2. Review status: no classification provided. Collection method: literature only. Allele origin: germline. Not counted in ClinVar's aggregate classification.

Genome Diagnostics Laboratory, Amsterdam University Medical Center
Classification: Likely pathogenic. Review status: no assertion criteria provided. Collection method: clinical testing. Allele origin: germline. Affected: yes. Study: VKGL Data-share Consensus. Not counted in ClinVar's aggregate classification.

Genome Diagnostics Laboratory, University Medical Center Utrecht
Classification: Pathogenic. Review status: no assertion criteria provided. Collection method: clinical testing. Allele origin: germline. Affected: yes. Study: VKGL Data-share Consensus. Not counted in ClinVar's aggregate classification.

Joint Genome Diagnostic Labs from Nijmegen and Maastricht, Radboudumc and MUMC+
Classification: Pathogenic. Review status: no assertion criteria provided. Collection method: clinical testing. Allele origin: germline. Affected: yes. Study: VKGL Data-share Consensus. Not counted in ClinVar's aggregate classification.

Literature cited by the submitters: PubMed 16199547 (cited by Labcorp Genetics (formerly Invitae), Labcorp); PubMed 24552284 (cited by Labcorp Genetics (formerly Invitae), Labcorp); PubMed 24552285 (cited by Labcorp Genetics (formerly Invitae), Labcorp); PubMed 28493328 (cited by 3 submitters); PubMed 29963054 (cited by Labcorp Genetics (formerly Invitae), Labcorp and Mayo Clinic Laboratories, Mayo Clinic); PubMed 29391253 (cited by 3 submitters); PubMed 31617030 (cited by Dasa and Johns Hopkins Genomics, Johns Hopkins University); PubMed 31856934 (cited by Dasa and Johns Hopkins Genomics, Johns Hopkins University); PubMed 37277582 (cited by Women's Health and Genetics/Laboratory Corporation of America, LabCorp); NCBI Bookshelf NBK544951 (cited by GeneReviews); PubMed 31393689 (cited by GeneReviews).

NM_001282225.2(ADA2):c.973-2A>G

Gene: ADA2 (adenosine deaminase 2; minus strand). Cytogenetic location: 22q11.1.
Variant type: single nucleotide variant.
Coding change: c.973-2A>G on transcript NM_001282225.2 (MANE Select); the canonical splice acceptor site of the intron before coding-DNA position 973, A replaced by G.
Molecular consequence: splice acceptor variant.
Genome position (GRCh38, 1-based): chr22:17,188,449, T>C on the plus strand (A>G on the coding strand, the complement: ADA2 is on the minus strand). VCF-style: chr22-17188449-T-C. GRCh37 (hg19) VCF-style: chr22-17669339-T-C.
Other names: c.847-2A>G (NM_001282227.2, NM_001282228.2); c.613-2A>G (NM_001282229.2); c.973-2A>G (NM_001282226.2); c.250-2A>G (NM_177405.3).
Identifiers: ClinVar variation 541735 (VCV000541735.75), dbSNP rs139750129, ClinGen allele CA10088011.